The following is an entry in ClinVar:

NM_006648.4(WNK2):c.3532C>T (p.Arg1178Cys)

Gene: WNK2 (WNK lysine deficient protein kinase 2; plus strand). Cytogenetic location: 9q22.31.
Variant type: single nucleotide variant.
Coding change: c.3532C>T on transcript NM_006648.4 (MANE Select); coding-DNA position 3532, C replaced by T.
Protein change: p.Arg1178Cys; replaces arginine 1178 with cysteine.
Molecular consequence: missense variant.
Genome position (GRCh38, 1-based): chr9:93,263,687, C>T. VCF-style: chr9-93263687-C-T. GRCh37 (hg19) VCF-style: chr9-96025969-C-T.
Other names: c.3532C>T, p.Arg1178Cys (NM_001282394.3); short protein forms R1178C.
Identifiers: ClinVar variation 3981823 (VCV003981823.1).

ClinVar aggregate classification (germline): Uncertain significance (1 of 4 stars; one submission).

gnomAD v4.1: 14 of 1,564,350 alleles (0.00089%); highest among the groups gnomAD compares: Middle Eastern, 0.017%; no homozygotes.

Submission:

Ambry Genetics
Classification: Uncertain significance. Last evaluated: 2025-04-06. Review status: criteria provided, single submitter. Criteria: Ambry Variant Classification Scheme 2023. Collection method: clinical testing. Allele origin: germline.
Comment: The p.R1178C variant (also known as c.3532C>T), located in coding exon 14 of the WNK2 gene, results from a C to T substitution at nucleotide position 3532. The arginine at codon 1178 is replaced by cysteine, an amino acid with highly dissimilar properties. This amino acid position is conserved. In addition, the in silico prediction for this alteration is inconclusive. Based on the available evidence, the clinical significance of this variant remains unclear.